The following is an entry in ClinVar:

ClinVar aggregate classification (germline): Uncertain significance. Review status: criteria provided, multiple submitters, no conflicts (2 of 4 stars). 2 submissions from 2 submitters: Uncertain significance (2). Last evaluated 2025-07-18.

Conditions:
Mitochondrial complex II deficiency, nuclear type 1. Also called: SUCCINATE CoQ REDUCTASE DEFICIENCY. Identifiers: Orphanet 3208, MedGen C5700310, MONDO:0100294, OMIM 252011.
Pheochromocytoma/paraganglioma syndrome 5. Also called: Paragangliomas 5; SDHA-Related Hereditary Paraganglioma-Pheochromocytoma Syndrome. Identifiers: Orphanet 29072, MedGen C3279992, MONDO:0013602, OMIM 614165.
Hereditary cancer-predisposing syndrome. Also called: Tumor predisposition; Hereditary Cancer Syndrome; Hereditary neoplastic syndrome; Neoplastic Syndromes, Hereditary. Identifiers: Orphanet 140162, MedGen C0027672, MeSH D009386, MONDO:0015356.

Submissions (2):

Ambry Genetics
Classification: Uncertain significance for Hereditary cancer-predisposing syndrome. Last evaluated: 2025-07-18. Review status: criteria provided, single submitter. Criteria: Ambry Variant Classification Scheme 2023. Collection method: clinical testing. Allele origin: germline.
Comment: The p.A17T variant (also known as c.49G>A), located in coding exon 1 of the SDHA gene, results from a G to A substitution at nucleotide position 49. The alanine at codon 17 is replaced by threonine, an amino acid with similar properties. This amino acid position is highly conserved in available vertebrate species. In addition, this alteration is predicted to be tolerated by in silico analysis. Based on the available evidence, the clinical significance of this variant remains unclear.

Labcorp Genetics (formerly Invitae), Labcorp
Classification: Uncertain significance for Pheochromocytoma/paraganglioma syndrome 5; Mitochondrial complex II deficiency, nuclear type 1. Last evaluated: 2024-10-10. Review status: criteria provided, single submitter. Criteria: Invitae Variant Classification Sherloc (09022015). Collection method: clinical testing. Allele origin: germline.
Comment: This sequence change replaces alanine, which is neutral and non-polar, with threonine, which is neutral and polar, at codon 17 of the SDHA protein (p.Ala17Thr). This variant is not present in population databases (gnomAD no frequency). This variant has not been reported in the literature in individuals affected with SDHA-related conditions. ClinVar contains an entry for this variant (Variation ID: 1904668). Invitae Evidence Modeling of protein sequence and biophysical properties (such as structural, functional, and spatial information, amino acid conservation, physicochemical variation, residue mobility, and thermodynamic stability) indicates that this missense variant is not expected to disrupt SDHA protein function with a negative predictive value of 95%. In summary, the available evidence is currently insufficient to determine the role of this variant in disease. Therefore, it has been classified as a Variant of Uncertain Significance.

NM_004168.4(SDHA):c.49G>A (p.Ala17Thr)

Gene: SDHA (succinate dehydrogenase complex flavoprotein subunit A; plus strand). Cytogenetic location: 5p15.33.
Variant type: single nucleotide variant.
Coding change: c.49G>A on transcript NM_004168.4 (MANE Select); coding-DNA position 49, G replaced by A.
Protein change: p.Ala17Thr; replaces alanine 17 with threonine.
Molecular consequence: missense variant.
Genome position (GRCh38, 1-based): chr5:218,404, G>A. VCF-style: chr5-218404-G-A. GRCh37 (hg19) VCF-style: chr5-218519-G-A.
Other names: c.49G>A, p.Ala17Thr (NM_001294332.2, NM_001330758.2); c.49G>A (NM_004168.2); short protein forms A17T.
Identifiers: ClinVar variation 1904668 (VCV001904668.6), dbSNP rs2477252336, ClinGen allele CA359007400.
Genomic context (GRCh38, chr5:218,404, plus strand): 5'-GCAACAGCAGACATGTCGGGGGTCCGGGGCCTGTCGCGGCTGCTGAGCGCTCGGCGCCTG[G>A]CGCTGGCCAAGGCGGTGAGTCCGTGCCGCGGACCGGGGCGGGGCAGGCGGGGGCCGAGGC-3'
Protein context (NP_004159.2, residues 7-27): LSRLLSARRL[Ala17Thr]LAKAWPTVLQ